The following is an entry in ClinVar:

NM_001277115.2(DNAH11):c.7793A>G (p.His2598Arg)

Gene: DNAH11 (dynein axonemal heavy chain 11; plus strand). Cytogenetic location: 7p15.3.
Variant type: single nucleotide variant.
Coding change: c.7793A>G on transcript NM_001277115.2 (MANE Select); coding-DNA position 7793, A replaced by G.
Protein change: p.His2598Arg; replaces histidine 2598 with arginine.
Molecular consequence: missense variant.
Genome position (GRCh38, 1-based): chr7:21,738,848, A>G. VCF-style: chr7-21738848-A-G. GRCh37 (hg19) VCF-style: chr7-21778466-A-G.
Other names: short protein forms H2598R.
Identifiers: ClinVar variation 1044932 (VCV001044932.7), dbSNP rs1785739275, ClinGen allele CA366950632.

ClinVar aggregate classification (germline): Uncertain significance (1 of 4 stars; one submission).

Conditions:
Primary ciliary dyskinesia. Also called: Ciliary dyskinesia. Identifiers: Orphanet 244, MedGen C0008780, MONDO:0016575, HP:0012265.

Allele frequency attached by ClinVar (database versions not stated): gnomAD exomes below 0.00001.
gnomAD v4.1: 2 of 1,601,956 alleles (0.00012%); highest among the groups gnomAD compares: Non-Finnish European, 0.00017%; no homozygotes.

Submission:

Labcorp Genetics (formerly Invitae), Labcorp
Classification: Uncertain significance for Primary ciliary dyskinesia. Last evaluated: 2025-11-18. Review status: criteria provided, single submitter. Criteria: Invitae Variant Classification Sherloc (09022015). Collection method: clinical testing. Allele origin: germline.
Comment: This sequence change replaces histidine, which is basic and polar, with arginine, which is basic and polar, at codon 2598 of the DNAH11 protein (p.His2598Arg). This variant is not present in population databases (gnomAD no frequency). This missense change has been observed in individual(s) with clinical features of primary ciliary dyskinesia (internal data). In at least one individual the data is consistent with being in trans (on the opposite chromosome) from a pathogenic variant. ClinVar contains an entry for this variant (Variation ID: 1044932). Invitae Evidence Modeling of protein sequence and biophysical properties (such as structural, functional, and spatial information, amino acid conservation, physicochemical variation, residue mobility, and thermodynamic stability) has been performed for this missense variant. However, the output from this modeling did not meet the statistical confidence thresholds required to predict the impact of this variant on DNAH11 protein function. In summary, the available evidence is currently insufficient to determine the role of this variant in disease. Therefore, it has been classified as a Variant of Uncertain Significance.